The following is an entry in ClinVar:

NM_001005361.3(DNM2):c.555C>T (p.Asp185=)

Gene: DNM2 (dynamin 2; plus strand). Cytogenetic location: 19p13.2.
Variant type: single nucleotide variant.
Coding change: c.555C>T on transcript NM_001005361.3 (MANE Select); coding-DNA position 555, C replaced by T.
Protein change: p.Asp185=; no amino-acid change (aspartic acid 185 retained).
Molecular consequence: synonymous variant.
Genome position (GRCh38, 1-based): chr19:10,775,872, C>T. VCF-style: chr19-10775872-C-T. GRCh37 (hg19) VCF-style: chr19-10886548-C-T.
Other names: c.555C>T, p.Asp185= (NM_001005360.3, NM_001005362.3, NM_001190716.2 and 1 more transcripts).
Identifiers: ClinVar variation 219703 (VCV000219703.42), dbSNP rs140788791, ClinGen allele CA350512.

ClinVar aggregate classification (germline): Benign/Likely benign. Review status: criteria provided, multiple submitters, no conflicts (2 of 4 stars). 8 submissions from 7 submitters: Benign (3); Likely benign (5). Last evaluated 2025-11-25.

Conditions:
Inborn genetic diseases. Identifiers: MedGen C0950123, MeSH D030342.
DNM2-related disorder. Also called: DNM2-related condition.
Charcot-Marie-Tooth disease dominant intermediate B (CMTDIB). Also called: Charcot-Marie-Tooth disease dominant intermediate 1; CMT DI1; Charcot-Marie-Tooth disease dominant intermediate I; CHARCOT-MARIE-TOOTH NEUROPATHY, DOMINANT INTERMEDIATE B. Identifiers: Orphanet 100044, Orphanet 228179, MedGen C1847902, MONDO:0011674, OMIM 606482.
Autosomal dominant centronuclear myopathy. Also called: MYOTUBULAR MYOPATHY, AUTOSOMAL DOMINANT; Myopathy, centronuclear, 3. Identifiers: Orphanet 169189, MedGen C4551952, MeSH D020914, MONDO:0008048, OMIM 160150.

Allele frequency attached by ClinVar (database versions not stated): gnomAD 0.00009 and 0.00010; TOPMed 0.00009; gnomAD exomes 0.00010 and 0.00013; ExAC 0.00013; ESP Exome Variant Server 0.00015.
gnomAD v4.1: 209 of 1,613,492 alleles (0.013%); highest among the groups gnomAD compares: Non-Finnish European, 0.017%; no homozygotes.

Submissions (8):

Labcorp Genetics (formerly Invitae), Labcorp
Classification: Likely benign for Charcot-Marie-Tooth disease dominant intermediate B. Last evaluated: 2025-11-25. Review status: criteria provided, single submitter. Criteria: Invitae Variant Classification Sherloc (09022015). Collection method: clinical testing. Allele origin: germline.

Athena Diagnostics
Classification: Benign. Last evaluated: 2025-10-28. Review status: criteria provided, single submitter. Criteria: Athena Diagnostics Criteria. Collection method: clinical testing. Allele origin: unknown.
Comment: The frequency of this variant in the general population is higher than would generally be expected for pathogenic variants in this gene. Computational tools yielded predictions that this variant is unlikely to have an effect on normal RNA splicing. This nucleotide position exhibits low evolutionary conservation.

PreventionGenetics, part of Exact Sciences
Classification: Likely benign for DNM2-related condition. Last evaluated: 2025-10-27. Review status: criteria provided, single submitter. Criteria: ACMG Guidelines, 2015. Collection method: clinical testing. Allele origin: germline.
Comment: This variant is classified as likely benign based on ACMG/AMP sequence variant interpretation guidelines (Richards et al. 2015 PMID: 25741868, with internal and published modifications).

CeGaT Center for Human Genetics Tuebingen
Classification: Likely benign. Last evaluated: 2024-05-01. Review status: criteria provided, single submitter. Criteria: CeGaT Center For Human Genetics Tuebingen Variant Classification Criteria Version 2. Collection method: clinical testing. Allele origin: germline. Affected: yes. Observed: 2 variant alleles.
Comment: DNM2: BP4, BP7

Ambry Genetics
Classification: Likely benign for Inborn genetic diseases. Last evaluated: 2019-07-11. Review status: criteria provided, single submitter. Criteria: Ambry Variant Classification Scheme 2023. Collection method: clinical testing. Allele origin: germline.

Illumina Laboratory Services, Illumina
Classification: Benign for Autosomal dominant centronuclear myopathy. Last evaluated: 2018-01-13. Review status: criteria provided, single submitter. Criteria: ICSL Variant Classification Criteria 13 December 2019. Collection method: clinical testing. Allele origin: germline.
Comment: This variant was observed in the ICSL laboratory as part of a predisposition screen in an ostensibly healthy population. It had not been previously curated by ICSL or reported in the Human Gene Mutation Database (HGMD: prior to June 1st, 2018), and was therefore a candidate for classification through an automated scoring system. Utilizing variant allele frequency, disease prevalence and penetrance estimates, and inheritance mode, an automated score was calculated to assess if this variant is too frequent to cause the disease. Based on the score and internal cut-off values, a variant classified as benign is not then subjected to further curation. The score for this variant resulted in a classification of benign for this disease.

Illumina Laboratory Services, Illumina
Classification: Benign for Charcot-Marie-Tooth disease dominant intermediate B. Last evaluated: 2018-01-13. Review status: criteria provided, single submitter. Criteria: ICSL Variant Classification Criteria 13 December 2019. Collection method: clinical testing. Allele origin: germline.
Comment: the same text as in the submission from Illumina Laboratory Services, Illumina above.

GeneDx
Classification: Likely benign. Last evaluated: 2017-12-12. Review status: criteria provided, single submitter. Criteria: GeneDx Variant Classification (06012015). Collection method: clinical testing. Allele origin: germline. Affected: yes.
Comment: This variant is considered likely benign or benign based on one or more of the following criteria: it is a conservative change, it occurs at a poorly conserved position in the protein, it is predicted to be benign by multiple in silico algorithms, and/or has population frequency not consistent with disease.